The following is an entry in ClinVar:

ClinVar aggregate classification (germline): Pathogenic. Review status: criteria provided, multiple submitters, no conflicts (2 of 4 stars). 2 submissions from 2 submitters: Pathogenic (2). Last evaluated 2023-10-25.

Conditions:
Neurofibromatosis, type 1 (NF1). Also called: Neurofibromatosis, type I; VON RECKLINGHAUSEN DISEASE; NEUROFIBROMATOSIS, TYPE I, SOMATIC; Peripheral type neurofibromatosis. Identifiers: Orphanet 636, MedGen C0027831, MONDO:0018975, OMIM 162200. Disease mechanism: loss of function.

Submissions (2):

Labcorp Genetics (formerly Invitae), Labcorp
Classification: Pathogenic for Neurofibromatosis, type 1. Last evaluated: 2023-10-25. Review status: criteria provided, single submitter. Criteria: Invitae Variant Classification Sherloc (09022015). Collection method: clinical testing. Allele origin: germline.
Comment: This sequence change creates a premature translational stop signal (p.Pro1442Leufs*6) in the NF1 gene. It is expected to result in an absent or disrupted protein product. Loss-of-function variants in NF1 are known to be pathogenic (PMID: 10712197, 23913538). This variant is not present in population databases (gnomAD no frequency). This premature translational stop signal has been observed in individual(s) with pediatric cancer (PMID: 34308366). ClinVar contains an entry for this variant (Variation ID: 995900). For these reasons, this variant has been classified as Pathogenic.

Department of Pediatrics, Memorial Sloan Kettering Cancer Center
Classification: Pathogenic for Neurofibromatosis, type 1. Last evaluated: 2020-12-15. Review status: criteria provided, single submitter. Criteria: ACMG Guidelines, 2015. Collection method: research. Allele origin: germline. Affected: yes.

Literature cited by the submitters: PubMed 10712197 (cited by Labcorp Genetics (formerly Invitae), Labcorp); PubMed 23913538 (cited by Labcorp Genetics (formerly Invitae), Labcorp); PubMed 34308366 (cited by Labcorp Genetics (formerly Invitae), Labcorp); PubMed 28873162 (cited by Department of Pediatrics, Memorial Sloan Kettering Cancer Center).

NM_001042492.3(NF1):c.4388del (p.Pro1463fs)

Gene: NF1 (neurofibromin 1; plus strand). Cytogenetic location: 17q11.2.
Variant type: Deletion.
Coding change: c.4388del on transcript NM_001042492.3 (MANE Select); coding-DNA position 4388, one base deleted (C; older notation c.4388delC).
Protein change: p.Pro1463fs; shifts the reading frame from proline 1463.
Molecular consequence: frameshift variant.
Genome position (GRCh38, 1-based): chr17:31,259,087, C deleted; the last of 2 consecutive C bases (chr17:31,259,086-31,259,087); deleting either gives the same sequence. VCF-style (leftmost placement, unchanged base first): chr17-31259085-GC-G. GRCh37 (hg19) VCF-style: chr17-29586103-GC-G.
Other names: c.4325delC (NM_000267.3); c.4325delC, p.Pro1442Leufs (NM_000267.4); short protein forms P1442fs, P1463fs.
Identifiers: ClinVar variation 995900 (VCV000995900.4), dbSNP rs2151463107, ClinGen allele CA2499224133.